The following is an entry in ClinVar:

NM_000051.4(ATM):c.3402+1G>A

Gene: ATM (ATM serine/threonine kinase; plus strand). Cytogenetic location: 11q22.3.
Variant type: single nucleotide variant.
Coding change: c.3402+1G>A on transcript NM_000051.4 (MANE Select); the canonical splice donor site of the intron after coding-DNA position 3402, G replaced by A.
Molecular consequence: splice donor variant.
Genome position (GRCh38, 1-based): chr11:108,279,609, G>A. VCF-style: chr11-108279609-G-A. GRCh37 (hg19) VCF-style: chr11-108150336-G-A.
Other names: c.3402+1G>A (NM_001351834.2).
Identifiers: ClinVar variation 848905 (VCV000848905.12), dbSNP rs1565439606, ClinGen allele CA382517888.

ClinVar aggregate classification (germline): Pathogenic/Likely pathogenic. Review status: criteria provided, multiple submitters, no conflicts (2 of 4 stars). 4 submissions from 4 submitters: Pathogenic (2); Likely pathogenic (2). Last evaluated 2024-12-22.

Conditions:
Familial cancer of breast. Also called: hereditary breast carcinoma; BREAST CANCER, FAMILIAL; Hereditary breast cancer. Identifiers: Orphanet 227535, MedGen C0346153, MONDO:0016419, OMIM 114480. Disease mechanism: loss of function.
Ataxia-telangiectasia syndrome (AT). Also called: Ataxia-telangiectasia, complementation group E; Cerebello-oculocutaneous telangiectasia; Immunodeficiency with ataxia telangiectasia; Ataxia-telangiectasia, complementation group D; AT, COMPLEMENTATION GROUP C; Ataxia-telangiectasia. Identifiers: Orphanet 100, MedGen C0004135, MONDO:0008840, OMIM 208900.
Hereditary cancer-predisposing syndrome. Also called: Neoplastic Syndromes, Hereditary; Hereditary Cancer Syndrome; Hereditary neoplastic syndrome; Tumor predisposition. Identifiers: Orphanet 140162, MedGen C0027672, MeSH D009386, MONDO:0015356.

Submissions (4):

Natera, Inc.
Classification: Pathogenic for Ataxia-telangiectasia. Last evaluated: 2024-12-22. Review status: criteria provided, single submitter. Criteria: Natera Variant Classification Schema (03/2026). Collection method: clinical testing. Allele origin: germline.
Comment: The c.3402+1G>A variant in ATM is a canonical splice donor site variant predicted to affect pre-mRNA splicing, which may result in an abnormal transcript and altered protein product. This variant is expected to result in nonsense mediated decay, truncation, or a dysfunctional protein product. This variant is rare in the general population with a frequency below the threshold expected for the associated phenotype(s). This variant has been observed in one or more individuals affected with the associated recessive disease, as either homozygous or compound heterozygous with a second variant (PMID: 21665257). Given the available evidence, this variant is classified as Pathogenic.

Department of Pathology and Laboratory Medicine, Sinai Health System
Classification: Pathogenic for Familial cancer of breast. Last evaluated: 2024-03-14. Review status: criteria provided, single submitter. Criteria: ACMG Guidelines, 2015. Collection method: clinical testing. Allele origin: germline. Affected: yes.

Labcorp Genetics (formerly Invitae), Labcorp
Classification: Likely pathogenic for Ataxia-telangiectasia syndrome. Last evaluated: 2023-11-20. Review status: criteria provided, single submitter. Criteria: Invitae Variant Classification Sherloc (09022015). Collection method: clinical testing. Allele origin: germline.
Comment: This sequence change affects a donor splice site in intron 23 of the ATM gene. It is expected to disrupt RNA splicing. Variants that disrupt the donor or acceptor splice site typically lead to a loss of protein function (PMID: 16199547), and loss-of-function variants in ATM are known to be pathogenic (PMID: 23807571, 25614872). This variant is not present in population databases (gnomAD no frequency). Disruption of this splice site has been observed in individual(s) with ataxia-telangiectasia (PMID: 21665257). ClinVar contains an entry for this variant (Variation ID: 848905). Algorithms developed to predict the effect of sequence changes on RNA splicing suggest that this variant may disrupt the consensus splice site. In summary, the currently available evidence indicates that the variant is pathogenic, but additional data are needed to prove that conclusively. Therefore, this variant has been classified as Likely Pathogenic.

Ambry Genetics
Classification: Likely pathogenic for Hereditary cancer-predisposing syndrome. Last evaluated: 2019-11-18. Review status: criteria provided, single submitter. Criteria: Ambry Variant Classification Scheme 2023. Collection method: clinical testing. Allele origin: germline.
Comment: The c.3402+1G>A intronic variant results from a G to A substitution one nucleotide after coding exon 22 of the ATM gene. This alteration, referred to as IVS25+1G>A by the authors, was reported as homozygous in an individual with ataxia-telangiectasia (Micol R et al. J Allergy Clin Immunol, 2011 Aug;128:382-9.e1). This nucleotide position is highly conserved in available vertebrate species. In silico splice site analysis predicts that this alteration will weaken the native splice donor site. RNA studies have demonstrated that this alteration results in abnormal splicing in the set of samples tested (Ambry internal data). Alterations that disrupt the canonical splice site are expected to cause aberrant splicing, resulting in an abnormal protein or a transcript that is subject to nonsense-mediated mRNA decay. As such, this alteration is classified as likely pathogenic.

Literature cited by the submitters: PubMed 21665257 (cited by 4 submitters); PubMed 16199547 (cited by Labcorp Genetics (formerly Invitae), Labcorp); PubMed 23807571 (cited by Labcorp Genetics (formerly Invitae), Labcorp); PubMed 25614872 (cited by Labcorp Genetics (formerly Invitae), Labcorp).